The following is an entry in ClinVar:

NM_002224.4(ITPR3):c.7091G>A (p.Arg2364His)

Gene: ITPR3 (inositol 1,4,5-trisphosphate receptor type 3; plus strand). Cytogenetic location: 6p21.31.
Variant type: single nucleotide variant.
Coding change: c.7091G>A on transcript NM_002224.4 (MANE Select); coding-DNA position 7091, G replaced by A.
Protein change: p.Arg2364His; replaces arginine 2364 with histidine.
Molecular consequence: missense variant.
Genome position (GRCh38, 1-based): chr6:33,690,975, G>A. VCF-style: chr6-33690975-G-A. GRCh37 (hg19) VCF-style: chr6-33658752-G-A.
Other names: short protein forms R2364H.
Identifiers: ClinVar variation 3900078 (VCV003900078.1).

ClinVar aggregate classification (germline): Uncertain significance (1 of 4 stars; one submission).

gnomAD v4.1: 3 of 1,614,012 alleles (0.00019%); highest among the groups gnomAD compares: South Asian, 0.0011%; no homozygotes.

Submission:

GeneDx
Classification: Uncertain significance. Last evaluated: 2024-11-22. Review status: criteria provided, single submitter. Criteria: GeneDx Variant Classification Process June 2021. Collection method: clinical testing. Allele origin: germline. Affected: yes.
Comment: Not observed at significant frequency in large population cohorts (gnomAD); In silico analysis supports that this missense variant has a deleterious effect on protein structure/function; Has not been previously published as pathogenic or benign to our knowledge